The following is an entry in ClinVar:

NM_001793.6(CDH3):c.1041G>C (p.Gln347His)

Gene: CDH3 (cadherin 3; plus strand). Cytogenetic location: 16q22.1.
Variant type: single nucleotide variant.
Coding change: c.1041G>C on transcript NM_001793.6 (MANE Select); coding-DNA position 1041, G replaced by C.
Protein change: p.Gln347His; replaces glutamine 347 with histidine.
Molecular consequence: missense variant.
Genome position (GRCh38, 1-based): chr16:68,682,346, G>C. VCF-style: chr16-68682346-G-C. GRCh37 (hg19) VCF-style: chr16-68716249-G-C.
Other names: c.1041G>C, p.Gln347His (NM_001317195.3); c.876G>C, p.Gln292His (NM_001317196.2); short protein forms Q292H, Q347H.
Identifiers: ClinVar variation 2128599 (VCV002128599.4), dbSNP rs1265762629, ClinGen allele CA396452991.

ClinVar aggregate classification (germline): Uncertain significance (1 of 4 stars; one submission).

Allele frequency attached by ClinVar (database versions not stated): gnomAD exomes below 0.00001.
gnomAD v4.1: 2 of 1,614,032 alleles (0.00012%); highest among the groups gnomAD compares: Admixed American, 0.0033%; no homozygotes.

Submission:

Labcorp Genetics (formerly Invitae), Labcorp
Classification: Uncertain significance. Last evaluated: 2022-04-20. Review status: criteria provided, single submitter. Criteria: Invitae Variant Classification Sherloc (09022015). Collection method: clinical testing. Allele origin: germline.
Comment: In summary, the available evidence is currently insufficient to determine the role of this variant in disease. Therefore, it has been classified as a Variant of Uncertain Significance. Algorithms developed to predict the effect of missense changes on protein structure and function are either unavailable or do not agree on the potential impact of this missense change (SIFT: "Not Available"; PolyPhen-2: "Probably Damaging"; Align-GVGD: "Not Available"). This variant has not been reported in the literature in individuals affected with CDH3-related conditions. This variant is present in population databases (no rsID available, gnomAD 0.003%). This sequence change replaces glutamine, which is neutral and polar, with histidine, which is basic and polar, at codon 347 of the CDH3 protein (p.Gln347His).